The following is an entry in ClinVar:

ClinVar aggregate classification (germline): Uncertain significance (1 of 4 stars; one submission).

Conditions:
Melanoma, cutaneous malignant, susceptibility to, 5. Also called: Cutaneous malignant melanoma 5. Identifiers: Orphanet 618, MedGen C2751295, MONDO:0013133, OMIM 613099.

Allele frequency attached by ClinVar (database versions not stated): ExAC 0.00009; gnomAD exomes 0.00009; TOPMed 0.00020; gnomAD 0.00023 and 0.00024; 1000 Genomes Project 0.00040; 1000 Genomes Project 30x 0.00047.

Submission:

Labcorp Genetics (formerly Invitae), Labcorp
Classification: Uncertain significance for Melanoma, cutaneous malignant, susceptibility to, 5. Last evaluated: 2025-07-23. Review status: criteria provided, single submitter. Criteria: Invitae Variant Classification Sherloc (09022015). Collection method: clinical testing. Allele origin: germline.
Comment: This sequence change replaces glycine, which is neutral and non-polar, with arginine, which is basic and polar, at codon 43 of the MC1R protein (p.Gly43Arg). This variant is present in population databases (rs564999211, gnomAD 0.05%). This variant has not been reported in the literature in individuals affected with MC1R-related conditions. ClinVar contains an entry for this variant (Variation ID: 847936). Invitae Evidence Modeling of protein sequence and biophysical properties (such as structural, functional, and spatial information, amino acid conservation, physicochemical variation, residue mobility, and thermodynamic stability) has been performed for this missense variant. However, the output from this modeling did not meet the statistical confidence thresholds required to predict the impact of this variant on MC1R protein function. In summary, the available evidence is currently insufficient to determine the role of this variant in disease. Therefore, it has been classified as a Variant of Uncertain Significance.

NM_002386.4(MC1R):c.127G>A (p.Gly43Arg)

Gene: MC1R (melanocortin 1 receptor; plus strand). Cytogenetic location: 16q24.3.
Variant type: single nucleotide variant.
Coding change: c.127G>A on transcript NM_002386.4 (MANE Select); coding-DNA position 127, G replaced by A.
Protein change: p.Gly43Arg; replaces glycine 43 with arginine.
Molecular consequence: missense variant.
Genome position (GRCh38, 1-based): chr16:89,919,385, G>A. VCF-style: chr16-89919385-G-A. GRCh37 (hg19) VCF-style: chr16-89985793-G-A.
Other names: short protein forms G43R.
Identifiers: ClinVar variation 847936 (VCV000847936.8), dbSNP rs564999211, ClinGen allele CA8255494.